The following is an entry in ClinVar:

ClinVar aggregate classification (germline): Uncertain significance (1 of 4 stars; one submission).

Conditions:
Biotinidase deficiency. Also called: BTD deficiency; Late-onset biotin-responsive multiple carboxylase deficiency; Biotin deficiency. Identifiers: Orphanet 79241, MedGen C0220754, MONDO:0009665, OMIM 253260.

Submission:

Labcorp Genetics (formerly Invitae), Labcorp
Classification: Uncertain significance for Biotinidase deficiency. Last evaluated: 2024-10-24. Review status: criteria provided, single submitter. Criteria: Invitae Variant Classification Sherloc (09022015). Collection method: clinical testing. Allele origin: germline.
Comment: This sequence change replaces arginine, which is basic and polar, with lysine, which is basic and polar, at codon 185 of the BTD protein (p.Arg185Lys). This variant is not present in population databases (gnomAD no frequency). This variant has not been reported in the literature in individuals affected with BTD-related conditions. ClinVar contains an entry for this variant (Variation ID: 1713593). Invitae Evidence Modeling of protein sequence and biophysical properties (such as structural, functional, and spatial information, amino acid conservation, physicochemical variation, residue mobility, and thermodynamic stability) has been performed for this missense variant. However, the output from this modeling did not meet the statistical confidence thresholds required to predict the impact of this variant on BTD protein function. In summary, the available evidence is currently insufficient to determine the role of this variant in disease. Therefore, it has been classified as a Variant of Uncertain Significance.

NM_001370658.1(BTD):c.494G>A (p.Arg165Lys)

Gene: BTD (biotinidase; plus strand). Cytogenetic location: 3p25.1.
Variant type: single nucleotide variant.
Coding change: c.494G>A on transcript NM_001370658.1 (MANE Select); coding-DNA position 494, G replaced by A.
Protein change: p.Arg165Lys; replaces arginine 165 with lysine.
Molecular consequence: missense variant. On other transcripts: intron variant (1).
Genome position (GRCh38, 1-based): chr3:15,644,410, G>A. VCF-style: chr3-15644410-G-A. GRCh37 (hg19) VCF-style: chr3-15685917-G-A.
Other names: c.494G>A, p.Arg165Lys (NM_001370752.1, NM_001407364.1, NM_001407376.1 and 18 more transcripts); c.399+2353G>A (NM_001370753.1); c.554G>A, p.Arg185Lys (NM_000060.4); short protein forms R165K, R185K.
Identifiers: ClinVar variation 1713593 (VCV001713593.6), dbSNP rs2471509952, ClinGen allele CA351606354.